The following is an entry in ClinVar:

ClinVar aggregate classification (germline): Uncertain significance (1 of 4 stars; one submission).

Allele frequency attached by ClinVar (database versions not stated): gnomAD exomes below 0.00001; ExAC 0.00001.
gnomAD v4.1: 3 of 1,614,178 alleles (0.00019%); highest among the groups gnomAD compares: South Asian, 0.0033%; no homozygotes.

Submission:

Labcorp Genetics (formerly Invitae), Labcorp
Classification: Uncertain significance. Last evaluated: 2022-10-18. Review status: criteria provided, single submitter. Criteria: Invitae Variant Classification Sherloc (09022015). Collection method: clinical testing. Allele origin: germline.
Comment: This sequence change replaces alanine, which is neutral and non-polar, with glycine, which is neutral and non-polar, at codon 457 of the ABCC6 protein (p.Ala457Gly). This variant is present in population databases (rs771913153, gnomAD 0.006%). This variant has not been reported in the literature in individuals affected with ABCC6-related conditions. Advanced modeling of protein sequence and biophysical properties (such as structural, functional, and spatial information, amino acid conservation, physicochemical variation, residue mobility, and thermodynamic stability) performed at Invitae indicates that this missense variant is not expected to disrupt ABCC6 protein function. In summary, the available evidence is currently insufficient to determine the role of this variant in disease. Therefore, it has been classified as a Variant of Uncertain Significance.

NM_001171.6(ABCC6):c.1370C>G (p.Ala457Gly)

Gene: ABCC6 (ATP binding cassette subfamily C member 6; minus strand). Cytogenetic location: 16p13.11.
Variant type: single nucleotide variant.
Coding change: c.1370C>G on transcript NM_001171.6 (MANE Select); coding-DNA position 1370, C replaced by G.
Protein change: p.Ala457Gly; replaces alanine 457 with glycine.
Molecular consequence: missense variant. On other transcripts: non-coding transcript variant (1).
Genome position (GRCh38, 1-based): chr16:16,192,891, G>C on the plus strand (C>G on the coding strand, the complement: ABCC6 is on the minus strand). VCF-style: chr16-16192891-G-C. GRCh37 (hg19) VCF-style: chr16-16286748-G-C.
Other names: c.1028C>G, p.Ala343Gly (NM_001351800.1); short protein forms A343G, A457G.
Identifiers: ClinVar variation 1935263 (VCV001935263.2), dbSNP rs771913153, ClinGen allele CA7926324.
Genomic context (GRCh38, chr16:16,192,891, plus strand): 5'-TGATGGTGGTTCCTTTTCTTGGAGATGAAGAAATTCAGAGGGAGGAGGCTCAGGAAGACA[G>C]CGATGGCAGTGAGGGCGGAGGGCCCCAGGAGCTGGGGATAGAAGGGGCAGGATGTCAGGA-3'
Protein context (NP_001162.5, residues 447-467): LLGPSALTAI[Ala457Gly]VFLSLLPLNF